The following is an entry in ClinVar:

NC_000010.10:g.(?_50678642)_(50681513_?)del

Gene: ERCC6 (ERCC excision repair 6, chromatin remodeling factor; minus strand). Cytogenetic location: 10q11.23.
Variant type: Deletion.
Identifiers: ClinVar variation 2422385 (VCV002422385.4).

ClinVar aggregate classification (germline): Likely pathogenic (1 of 4 stars; one submission).

Submission:

Labcorp Genetics (formerly Invitae), Labcorp
Classification: Likely pathogenic. Last evaluated: 2022-02-15. Review status: criteria provided, single submitter. Criteria: Invitae Variant Classification Sherloc (09022015). Collection method: clinical testing. Allele origin: germline.
Comment: In summary, the currently available evidence indicates that the variant is pathogenic, but additional data are needed to prove that conclusively. Therefore, this variant has been classified as Likely Pathogenic. This variant has not been reported in the literature in individuals affected with ERCC6-related conditions. This variant results in the deletion of exons 15-17 and part of exon 18 (c.2709+10_3364delinsA) of the ERCC6 gene. It is expected to disrupt RNA splicing. Variants that disrupt the donor or acceptor splice site typically lead to a loss of protein function (PMID: 16199547), and loss-of-function variants in ERCC6 are known to be pathogenic (PMID: 18628313, 29572252).

Literature cited by the submitters: PubMed 16199547; PubMed 18628313; PubMed 29572252.